The following is an entry in ClinVar:

ClinVar aggregate classification (germline): Uncertain significance (1 of 4 stars; one submission).

gnomAD v4.1: 39 of 1,613,286 alleles (0.0024%); highest among the groups gnomAD compares: East Asian, 0.087%; no homozygotes.

Submission:

Labcorp Genetics (formerly Invitae), Labcorp
Classification: Uncertain significance. Last evaluated: 2024-12-05. Review status: criteria provided, single submitter. Criteria: Invitae Variant Classification Sherloc (09022015). Collection method: clinical testing. Allele origin: germline.
Comment: This sequence change replaces threonine, which is neutral and polar, with serine, which is neutral and polar, at codon 637 of the TNNI3K protein (p.Thr637Ser). This variant is present in population databases (rs776948756, gnomAD 0.02%). This variant has not been reported in the literature in individuals affected with TNNI3K-related conditions. An algorithm developed to predict the effect of missense changes on protein structure and function (PolyPhen-2) suggests that this variant is likely to be tolerated. In summary, the available evidence is currently insufficient to determine the role of this variant in disease. Therefore, it has been classified as a Variant of Uncertain Significance.

NM_015978.3(TNNI3K):c.1909A>T (p.Thr637Ser)

Genes: FPGT-TNNI3K (FPGT-TNNI3K readthrough; plus strand), TNNI3K (TNNI3 interacting kinase; plus strand). Cytogenetic location: 1p31.1.
Variant type: single nucleotide variant.
Coding change: c.1909A>T on transcript NM_015978.3 (MANE Select); coding-DNA position 1909, A replaced by T.
Protein change: p.Thr637Ser; replaces threonine 637 with serine.
Molecular consequence: missense variant.
Genome position (GRCh38, 1-based): chr1:74,439,520, A>T. VCF-style: chr1-74439520-A-T. GRCh37 (hg19) VCF-style: chr1-74905204-A-T.
Other names: c.2212A>T, p.Thr738Ser (NM_001112808.3, NM_001199327.2); short protein forms T637S, T738S.
Identifiers: ClinVar variation 3628789 (VCV003628789.2).
Genomic context (GRCh38, chr1:74,439,520, plus strand): 5'-AATGGCTTGTGGATGTTTCTTGATGTGCAGAACCTCCGTTGGATGGCTCCTGAGGTGTTC[A>T]CGCAGTGCACTCGGTACACCATCAAAGCAGATGTCTTCAGCTATGCTCTGTGTCTGTGGG-3'
Protein context (NP_057062.1, residues 627-647): NLRWMAPEVF[Thr637Ser]QCTRYTIKAD